The following is an entry in ClinVar:

ClinVar aggregate classification (germline): Likely benign. Review status: criteria provided, multiple submitters, no conflicts (2 of 4 stars). 3 submissions from 3 submitters: Likely benign (3). Last evaluated 2019-08-06.

Conditions:
Usher syndrome type 3. Also called: Usher Syndrome, Type III. Identifiers: Orphanet 231183, MedGen C1568248, MONDO:0016485.

Allele frequency attached by ClinVar (database versions not stated): ExAC 0.03140.
gnomAD v4.1: 6,132 of 399,132 alleles (1.5%); highest among the groups gnomAD compares: Non-Finnish European, 2.1%; 45 homozygotes.

Submissions (3):

GeneDx
Classification: Likely benign. Last evaluated: 2019-08-06. Review status: criteria provided, single submitter. Criteria: GeneDx Variant Classification Process June 2021. Collection method: clinical testing. Allele origin: germline. Affected: yes.

Illumina Laboratory Services, Illumina
Classification: Likely benign for Usher syndrome type 3A. Last evaluated: 2018-01-13. Review status: criteria provided, single submitter. Criteria: ICSL Variant Classification Criteria 13 December 2019. Collection method: clinical testing. Allele origin: germline.
Comment: This variant was observed in the ICSL laboratory as part of a predisposition screen in an ostensibly healthy population. It had not been previously curated by ICSL or reported in the Human Gene Mutation Database (HGMD: prior to June 1st, 2018), and was therefore a candidate for classification through an automated scoring system. Utilizing variant allele frequency, disease prevalence and penetrance estimates, and inheritance mode, an automated score was calculated to assess if this variant is too frequent to cause the disease. Based on the score and internal cut-off values, a variant classified as likely benign is not then subjected to further curation. The score for this variant resulted in a classification of likely benign for this disease.

Breakthrough Genomics
Classification: Likely benign. Review status: criteria provided, single submitter. Criteria: ACMG Guidelines, 2015. Collection method: not provided. Allele origin: germline. Inheritance: Autosomal recessive inheritance. Affected: yes.

NM_174878.3(CLRN1):c.*277G>A

Gene: CLRN1 (clarin 1; minus strand). Cytogenetic location: 3q25.1.
Variant type: single nucleotide variant.
Coding change: c.*277G>A on transcript NM_174878.3 (MANE Select); 277 bases downstream of the stop codon, G replaced by A.
Molecular consequence: 3 prime UTR variant. On other transcripts: non-coding transcript variant (1), intron variant (1).
Genome position (GRCh38, 1-based): chr3:150,927,659, C>T on the plus strand (G>A on the coding strand, the complement: CLRN1 is on the minus strand). VCF-style: chr3-150927659-C-T. GRCh37 (hg19) VCF-style: chr3-150645446-C-T.
Other names: c.*277G>A (NM_001195794.1); c.*590G>A (NM_001256819.2); c.342+406G>A (NM_052995.2).
Identifiers: ClinVar variation 343812 (VCV000343812.9), dbSNP rs200685524, ClinGen allele CA2665948.